The following is an entry in ClinVar:

ClinVar aggregate classification (germline): Likely benign. Review status: criteria provided, multiple submitters, no conflicts (2 of 4 stars). 3 submissions from 3 submitters: Likely benign (3). Last evaluated 2025-11-12.

Conditions:
Developmental and epileptic encephalopathy, 32 (DEE32). Also called: Epileptic encephalopathy, early infantile, 32. Identifiers: Orphanet 442835, MedGen C4225350, MONDO:0014607, OMIM 616366.
KCNA2-related disorder. Also called: KCNA2-related condition.
Inborn genetic diseases. Identifiers: MedGen C0950123, MeSH D030342.

Allele frequency attached by ClinVar (database versions not stated): gnomAD exomes 0.00001 and 0.00005; ExAC 0.00002; gnomAD 0.00003; TOPMed 0.00004; ESP Exome Variant Server 0.00008.

Submissions (3):

PreventionGenetics, part of Exact Sciences
Classification: Likely benign for KCNA2-related condition. Last evaluated: 2025-11-12. Review status: criteria provided, single submitter. Criteria: ACMG Guidelines, 2015. Collection method: clinical testing. Allele origin: germline.
Comment: This variant is classified as likely benign based on ACMG/AMP sequence variant interpretation guidelines (Richards et al. 2015 PMID: 25741868, with internal and published modifications).

Labcorp Genetics (formerly Invitae), Labcorp
Classification: Likely benign for Developmental and epileptic encephalopathy, 32. Last evaluated: 2025-11-09. Review status: criteria provided, single submitter. Criteria: Invitae Variant Classification Sherloc (09022015). Collection method: clinical testing. Allele origin: germline.

Ambry Genetics
Classification: Likely benign for Inborn genetic diseases. Last evaluated: 2018-01-26. Review status: criteria provided, single submitter. Criteria: Ambry Variant Classification Scheme 2023. Collection method: clinical testing. Allele origin: germline.

NM_004974.4(KCNA2):c.1215G>A (p.Pro405=)

Gene: KCNA2 (potassium voltage-gated channel subfamily A member 2; minus strand). Cytogenetic location: 1p13.3.
Variant type: single nucleotide variant.
Coding change: c.1215G>A on transcript NM_004974.4 (MANE Select); coding-DNA position 1215, G replaced by A.
Protein change: p.Pro405=; no amino-acid change (proline 405 retained).
Molecular consequence: synonymous variant. On other transcripts: intron variant (1).
Genome position (GRCh38, 1-based): chr1:110,603,568, C>T on the plus strand (G>A on the coding strand, the complement: KCNA2 is on the minus strand). VCF-style: chr1-110603568-C-T. GRCh37 (hg19) VCF-style: chr1-111146190-C-T.
Other names: c.894+321G>A (NM_001204269.2).
Identifiers: ClinVar variation 955902 (VCV000955902.11), dbSNP rs368489072, ClinGen allele CA1000647.
Genomic context (GRCh38, chr1:110,603,568, plus strand): 5'-TTCCTCTCCCTCTGTCTCCCGGTGGTAGAAGTAGTTGAAATTGGACACAATGACAGGGAC[C>T]GGTAAGGCAATAGTTAACACACCTGCAATCGCACATAGGGAACCCACTATCTTTCCCCCA-3'
Protein context (NP_004965.1, residues 395-415): AIAGVLTIAL[Pro405=]VPVIVSNFNY